The following is an entry in ClinVar:

ClinVar aggregate classification (germline): Uncertain significance (1 of 4 stars; one submission).

Submission:

GeneDx
Classification: Uncertain significance. Last evaluated: 2025-01-19. Review status: criteria provided, single submitter. Criteria: GeneDx Variant Classification Process June 2021. Collection method: clinical testing. Allele origin: germline. Affected: yes.
Comment: Not observed at significant frequency in large population cohorts (gnomAD); In silico analysis supports that this missense variant has a deleterious effect on protein structure/function; Has not been previously published as pathogenic or benign to our knowledge

NM_015425.6(POLR1A):c.1466A>T (p.Asn489Ile)

Gene: POLR1A (RNA polymerase I subunit A; minus strand). Cytogenetic location: 2p11.2.
Variant type: single nucleotide variant.
Coding change: c.1466A>T on transcript NM_015425.6 (MANE Select); coding-DNA position 1466, A replaced by T.
Protein change: p.Asn489Ile; replaces asparagine 489 with isoleucine.
Molecular consequence: missense variant.
Genome position (GRCh38, 1-based): chr2:86,075,175, T>A on the plus strand (A>T on the coding strand, the complement: POLR1A is on the minus strand). VCF-style: chr2-86075175-T-A. GRCh37 (hg19) VCF-style: chr2-86302298-T-A.
Other names: short protein forms N489I.
Identifiers: ClinVar variation 4070799 (VCV004070799.1).
Genomic context (GRCh38, chr2:86,075,175, plus strand): 5'-GCGCTCAGGGCTGTGCGGCTGCCGTCCTCATTGATGACCATGGAGGCTCCTGGGTGCACA[T>A]TAGGGCCGTTGATGACCGCTTGCCTAAGTTCCTGAACATTCCATGGGGTAACTGGCTGTG-3'
Protein context (NP_056240.2, residues 479-499): ELRQAVINGP[Asn489Ile]VHPGASMVIN